The following is an entry in ClinVar:

ClinVar aggregate classification (germline): Conflicting classifications of pathogenicity. Review status: criteria provided, conflicting classifications (1 of 4 stars). 6 submissions from 5 submitters: Uncertain significance (5); Benign (1). Last evaluated 2026-02-02.

Conditions:
Glaucoma 3A. Also called: Glaucoma 3, primary congenital, A. Identifiers: Orphanet 98976, Orphanet 98977, MedGen C1856439, MONDO:0009277, OMIM 231300.
Glaucoma 3, primary infantile, B. Also called: GLC3B; GLAUCOMA, PRIMARY CONGENITAL, TYPE B; GLC3 type B; Primary congenital glaucoma type 3B; Glaucoma primary congenita type 3B. Identifiers: Orphanet 98976, MedGen C1832977, MONDO:0010968, OMIM 600975.
Anterior segment dysgenesis 6 (ASGD6). Also called: Anterior segment dysgenesis 6, multiple subtypes. Identifiers: MedGen C4310623, MONDO:0015016, OMIM 617315.
Irido-corneo-trabecular dysgenesis (ASGD5). Also called: ANTERIOR SEGMENT DYSGENESIS 5. Identifiers: Orphanet 708, MedGen C0344559, MONDO:0011414, OMIM 604229, HP:0000659.
Congenital glaucoma. Identifiers: MedGen C0020302, MONDO:0020366.

Allele frequency attached by ClinVar (database versions not stated): gnomAD 0.00009; TOPMed 0.00015; gnomAD exomes 0.00028; ExAC 0.00040.
gnomAD v4.1: 95 of 1,582,984 alleles (0.006%); highest among the groups gnomAD compares: East Asian, 0.2%; 1 homozygote.

Submissions (6):

Labcorp Genetics (formerly Invitae), Labcorp
Classification: Benign for Congenital glaucoma. Last evaluated: 2026-02-02. Review status: criteria provided, single submitter. Criteria: Invitae Variant Classification Sherloc (09022015). Collection method: clinical testing. Allele origin: germline.

Women's Health and Genetics/Laboratory Corporation of America, LabCorp
Classification: Uncertain significance. Last evaluated: 2022-08-11. Review status: criteria provided, single submitter. Criteria: LabCorp Variant Classification Summary - May 2015. Collection method: clinical testing. Allele origin: germline.
Comment: Variant summary: CYP1B1 c.592G>A (p.Val198Ile) results in a conservative amino acid change in the encoded protein sequence. Five of five in-silico tools predict a benign effect of the variant on protein function. The variant allele was found at a frequency of 0.00028 in 187934 control chromosomes (gnomAD and publication data). This frequency is not significantly higher than expected for a pathogenic variant in CYP1B1 causing Primary Congenital Glaucoma (0.00028 vs 0.0043), allowing no conclusion about variant significance. c.592G>A has been reported in the literature in individuals affected with Primary Congenital Glaucoma (Mashima_2001, Chen_2008, Gong_2015, Liu_2020). These reports do not provide unequivocal conclusions about association of the variant with Primary Congenital Glaucoma. To our knowledge, no experimental evidence demonstrating an impact on protein function has been reported. Two ClinVar submitters (evaluation after 2014) cite the variant as uncertain significance. Based on the evidence outlined above, the variant was classified as uncertain significance.

Fulgent Genetics
Classification: Uncertain significance for Glaucoma 3A; Glaucoma 3, primary infantile, B; Anterior segment dysgenesis 6. Last evaluated: 2022-04-04. Review status: criteria provided, single submitter. Criteria: ACMG Guidelines, 2015. Collection method: clinical testing. Allele origin: unknown.

GeneDx
Classification: Uncertain significance. Last evaluated: 2019-07-15. Review status: criteria provided, single submitter. Criteria: GeneDx Variant Classification Process June 2021. Collection method: clinical testing. Allele origin: germline. Affected: yes.
Comment: In silico analysis, which includes protein predictors and evolutionary conservation, supports that this variant does not alter protein structure/function; This variant is associated with the following publications: (PMID: 25527694, 11527932, 26550445)

Illumina Laboratory Services, Illumina
Classification: Uncertain significance for Irido-corneo-trabecular dysgenesis. Last evaluated: 2017-04-27. Review status: criteria provided, single submitter. Criteria: ICSL Variant Classification Criteria 13 December 2019. Collection method: clinical testing. Allele origin: germline.

Illumina Laboratory Services, Illumina
Classification: Uncertain significance for Glaucoma 3A. Last evaluated: 2017-04-27. Review status: criteria provided, single submitter. Criteria: ICSL Variant Classification Criteria 13 December 2019. Collection method: clinical testing. Allele origin: germline.

Literature cited by the submitters: PubMed 27243976 (cited by Women's Health and Genetics/Laboratory Corporation of America, LabCorp); PubMed 18622259 (cited by Women's Health and Genetics/Laboratory Corporation of America, LabCorp); PubMed 21572728 (cited by Women's Health and Genetics/Laboratory Corporation of America, LabCorp); PubMed 18852424 (cited by Women's Health and Genetics/Laboratory Corporation of America, LabCorp); PubMed 20151268 (cited by Women's Health and Genetics/Laboratory Corporation of America, LabCorp); PubMed 12525557 (cited by Women's Health and Genetics/Laboratory Corporation of America, LabCorp); PubMed 25527694 (cited by Women's Health and Genetics/Laboratory Corporation of America, LabCorp); PubMed 32476818 (cited by Women's Health and Genetics/Laboratory Corporation of America, LabCorp); PubMed 11527932 (cited by Women's Health and Genetics/Laboratory Corporation of America, LabCorp).

NM_000104.4(CYP1B1):c.592G>A (p.Val198Ile)

Gene: CYP1B1 (cytochrome P450 family 1 subfamily B member 1; minus strand). Cytogenetic location: 2p22.2.
Variant type: single nucleotide variant.
Coding change: c.592G>A on transcript NM_000104.4 (MANE Select); coding-DNA position 592, G replaced by A.
Protein change: p.Val198Ile; replaces valine 198 with isoleucine.
Molecular consequence: missense variant.
Genome position (GRCh38, 1-based): chr2:38,074,797, C>T on the plus strand (G>A on the coding strand, the complement: CYP1B1 is on the minus strand). VCF-style: chr2-38074797-C-T. GRCh37 (hg19) VCF-style: chr2-38301940-C-T.
Other names: short protein forms V198I.
Identifiers: ClinVar variation 898364 (VCV000898364.10), dbSNP rs59472972, ClinGen allele CA1620003.